The following is an entry in ClinVar:

ClinVar aggregate classification (germline): Pathogenic (1 of 4 stars; one submission).

Submission:

Labcorp Genetics (formerly Invitae), Labcorp
Classification: Pathogenic. Last evaluated: 2023-07-12. Review status: criteria provided, single submitter. Criteria: Invitae Variant Classification Sherloc (09022015). Collection method: clinical testing. Allele origin: unknown.
Comment: For these reasons, this variant has been classified as Pathogenic. This variant disrupts a region of the ADGRV1 protein in which other variant(s) (p.Arg2377Gln) have been determined to be pathogenic (PMID: 26338283, 33089500). This suggests that this is a clinically significant region of the protein, and that variants that disrupt it are likely to be disease-causing. This variant has not been reported in the literature in individuals affected with ADGRV1-related conditions. This variant is a gross deletion of the genomic region encompassing exon(s) 28-84 of the ADGRV1 gene. This variant would be expected to be in-frame, preserving the integrity of the reading frame.

Literature cited by the submitters: PubMed 26338283; PubMed 33089500.

NC_000005.9:g.(?_89979383)_(90261368_?)dup

Gene: ADGRV1 (adhesion G protein-coupled receptor V1; plus strand). Cytogenetic location: 5q14.3.
Variant type: Duplication.
Identifiers: ClinVar variation 3246558 (VCV003246558.1).